The following is an entry in ClinVar:

NC_000012.12:g.(?_57791955)_(57796593_?)del

Gene: TSFM (Ts translation elongation factor, mitochondrial; plus strand). Cytogenetic location: 12q14.1.
Variant type: Deletion.
Identifiers: ClinVar variation 831748 (VCV000831748.7).

ClinVar aggregate classification (germline): Pathogenic (1 of 4 stars; one submission).

Submission:

Labcorp Genetics (formerly Invitae), Labcorp
Classification: Pathogenic. Last evaluated: 2022-07-22. Review status: criteria provided, single submitter. Criteria: Invitae Variant Classification Sherloc (09022015). Collection method: clinical testing. Allele origin: germline.
Comment: This variant is a gross deletion of the genomic region encompassing exon(s) 5-7 of the TSFM gene, which includes the termination codon. This deletion extends beyond the assayed region for this gene and therefore may encompass additional genes. While this deletion is not anticipated to lead to nonsense mediated decay, it is expected to alter mRNA translation or result in a truncated protein product. This variant has not been reported in the literature in individuals affected with TSFM-related conditions. This variant disrupts a region of the TSFM protein in which other variant(s) (p.Gln324Argfs*11) have been determined to be pathogenic (PMID: 17033963, 20435138, 21741925, 22277967). This suggests that this is a clinically significant region of the protein, and that variants that disrupt it are likely to be disease-causing. For these reasons, this variant has been classified as Pathogenic.

Literature cited by the submitters: PubMed 17033963; PubMed 20435138; PubMed 21741925; PubMed 22277967.